The following is an entry in ClinVar:

ClinVar aggregate classification (germline): Likely benign (1 of 4 stars; one submission).

Submission:

GeneDx
Classification: Likely benign. Last evaluated: 2020-10-28. Review status: criteria provided, single submitter. Criteria: GeneDx Variant Classification Process June 2021. Collection method: clinical testing. Allele origin: germline. Affected: yes.
Comment: See Variant Classification Assertion Criteria.

NM_000441.2(SLC26A4):c.765+196_765+197dup

Gene: SLC26A4 (solute carrier family 26 member 4; plus strand). Cytogenetic location: 7q22.3.
Variant type: Duplication.
Coding change: c.765+196_765+197dup on transcript NM_000441.2 (MANE Select); bases 196 to 197 of the intron after coding-DNA position 765, 2 bases duplicated (AA; older notation c.765+196_765+197dupAA).
Molecular consequence: intron variant.
Genome position (GRCh38, 1-based): chr7:107,675,305-107,675,306, AA duplicated; duplicating any 2 consecutive bases within chr7:107,675,286-107,675,306 gives the same sequence; the c. name uses the placement nearest the transcript's 3' end. VCF-style (leftmost placement, unchanged base first): chr7-107675285-T-TAA. GRCh37 (hg19) VCF-style: chr7-107315730-T-TAA.
Identifiers: ClinVar variation 2429655 (VCV002429655.1), dbSNP rs60022317, ClinGen allele CA577198895.